The following is an entry in ClinVar:

NM_017849.4(TMEM127):c.288C>G (p.Ile96Met)

Gene: TMEM127 (transmembrane protein 127; minus strand). Cytogenetic location: 2q11.2.
Variant type: single nucleotide variant.
Coding change: c.288C>G on transcript NM_017849.4 (MANE Select); coding-DNA position 288, C replaced by G.
Protein change: p.Ile96Met; replaces isoleucine 96 with methionine.
Molecular consequence: missense variant.
Genome position (GRCh38, 1-based): chr2:96,254,954, G>C on the plus strand (C>G on the coding strand, the complement: TMEM127 is on the minus strand). VCF-style: chr2-96254954-G-C. GRCh37 (hg19) VCF-style: chr2-96920692-G-C.
Other names: c.288C>G, p.Ile96Met (NM_001193304.3); short protein forms I96M.
Identifiers: ClinVar variation 821945 (VCV000821945.10), dbSNP rs758726687, ClinGen allele CA1777357.

ClinVar aggregate classification (germline): Uncertain significance. Review status: criteria provided, multiple submitters, no conflicts (2 of 4 stars). 2 submissions from 2 submitters: Uncertain significance (2). Last evaluated 2025-12-10.

Conditions:
Hereditary cancer-predisposing syndrome. Also called: Hereditary Cancer Syndrome; Tumor predisposition; Neoplastic Syndromes, Hereditary; Hereditary neoplastic syndrome. Identifiers: Orphanet 140162, MedGen C0027672, MeSH D009386, MONDO:0015356.
Hereditary pheochromocytoma and paraganglioma. Also called: Hereditary pheochromocytoma-paraganglioma; Hereditary paragangliomas and pheochromocytomas; Hereditary Paraganglioma-Pheochromocytoma Syndromes. Identifiers: Orphanet 29072, MedGen C4274332, MONDO:0017366.

Allele frequency attached by ClinVar (database versions not stated): gnomAD 0.00003.
gnomAD v4.1: 4 of 1,614,134 alleles (0.00025%); highest among the groups gnomAD compares: African/African-American, 0.0053%; no homozygotes.

Submissions (2):

Labcorp Genetics (formerly Invitae), Labcorp
Classification: Uncertain significance for Hereditary pheochromocytoma and paraganglioma. Last evaluated: 2025-12-10. Review status: criteria provided, single submitter. Criteria: Invitae Variant Classification Sherloc (09022015). Collection method: clinical testing. Allele origin: germline.
Comment: This sequence change replaces isoleucine, which is neutral and non-polar, with methionine, which is neutral and non-polar, at codon 96 of the TMEM127 protein (p.Ile96Met). This variant is present in population databases (rs758726687, gnomAD 0.008%). This variant has not been reported in the literature in individuals affected with TMEM127-related conditions. ClinVar contains an entry for this variant (Variation ID: 821945). An algorithm developed to predict the effect of missense changes on protein structure and function (PolyPhen-2) suggests that this variant is likely to be disruptive. In summary, the available evidence is currently insufficient to determine the role of this variant in disease. Therefore, it has been classified as a Variant of Uncertain Significance.

Ambry Genetics
Classification: Uncertain significance for Hereditary cancer-predisposing syndrome. Last evaluated: 2024-08-19. Review status: criteria provided, single submitter. Criteria: Ambry Variant Classification Scheme 2023. Collection method: clinical testing. Allele origin: germline.
Comment: The p.I96M variant (also known as c.288C>G), located in coding exon 2 of the TMEM127 gene, results from a C to G substitution at nucleotide position 288. The isoleucine at codon 96 is replaced by methionine, an amino acid with highly similar properties. This amino acid position is highly conserved in available vertebrate species. In addition, this alteration is predicted to be deleterious by in silico analysis. Since supporting evidence is limited at this time, the clinical significance of this alteration remains unclear.